The following is an entry in ClinVar:

ClinVar aggregate classification (germline): Benign/Likely benign. Review status: criteria provided, multiple submitters, no conflicts (2 of 4 stars). 6 submissions from 6 submitters: Benign (1); Likely benign (4). 1 of the submissions does not count toward it. Last evaluated 2026-01-26.

Conditions:
Hereditary cancer-predisposing syndrome. Also called: Tumor predisposition; Hereditary Cancer Syndrome; Neoplastic Syndromes, Hereditary; Hereditary neoplastic syndrome. Identifiers: Orphanet 140162, MedGen C0027672, MeSH D009386, MONDO:0015356.
Gorlin syndrome. Also called: Basal cell nevus syndrome; Nevoid Basal Cell Carcinoma Syndrome. Identifiers: Orphanet 377, MedGen C0004779, MONDO:0007187.
PTCH1-related disorder. Also called: PTCH1-related disorders; PTCH1-related condition.

Allele frequency attached by ClinVar (database versions not stated): gnomAD exomes 0.00001 and 0.00003; ExAC 0.00003; gnomAD 0.00009; TOPMed 0.00011.
gnomAD v4.1: 29 of 1,614,052 alleles (0.0018%); highest among the groups gnomAD compares: African/African-American, 0.024%; no homozygotes.

Submissions (6):

Labcorp Genetics (formerly Invitae), Labcorp
Classification: Likely benign for Gorlin syndrome. Last evaluated: 2026-01-26. Review status: criteria provided, single submitter. Criteria: Invitae Variant Classification Sherloc (09022015). Collection method: clinical testing. Allele origin: germline.

Center for Genomic Medicine, Rigshospitalet, Copenhagen University Hospital
Classification: Likely benign. Last evaluated: 2025-12-29. Review status: criteria provided, single submitter. Criteria: ACMG Guidelines, 2015. Collection method: clinical testing. Allele origin: germline.

Quest Diagnostics Nichols Institute San Juan Capistrano
Classification: Benign. Last evaluated: 2022-09-10. Review status: criteria provided, single submitter. Criteria: Quest Diagnostics criteria. Collection method: clinical testing. Allele origin: unknown.

Sema4
Classification: Likely benign for Hereditary cancer-predisposing syndrome. Last evaluated: 2021-04-14. Review status: criteria provided, single submitter. Criteria: Sema4 Curation Guidelines. Collection method: curation. Allele origin: germline.

Ambry Genetics
Classification: Likely benign for Hereditary cancer-predisposing syndrome. Last evaluated: 2018-02-20. Review status: criteria provided, single submitter. Criteria: Ambry Variant Classification Scheme 2023. Collection method: clinical testing. Allele origin: germline.

PreventionGenetics, part of Exact Sciences
Classification: Likely benign for PTCH1-related condition. Last evaluated: 2020-02-17. Review status: no assertion criteria provided. Collection method: clinical testing. Allele origin: germline. Not counted in ClinVar's aggregate classification.
Comment: This variant is classified as likely benign based on ACMG/AMP sequence variant interpretation guidelines (Richards et al. 2015 PMID: 25741868, with internal and published modifications).

NM_000264.5(PTCH1):c.1800A>G (p.Leu600=)

Genes: PTCH1 (patched 1; minus strand), LOC100507346 (uncharacterized LOC100507346; plus strand). Cytogenetic location: 9q22.32.
Variant type: single nucleotide variant.
Coding change: c.1800A>G on transcript NM_000264.5 (MANE Select); coding-DNA position 1800, A replaced by G.
Protein change: p.Leu600=; no amino-acid change (leucine 600 retained).
Molecular consequence: synonymous variant. On other transcripts: non-coding transcript variant (2).
Genome position (GRCh38, 1-based): chr9:95,469,860, T>C on the plus strand (A>G on the coding strand, the complement: PTCH1 is on the minus strand). VCF-style: chr9-95469860-T-C. GRCh37 (hg19) VCF-style: chr9-98232142-T-C.
Other names: c.1800A>G (NM_000264.4); c.1602A>G, p.Leu534= (NM_001083602.3); c.1797A>G, p.Leu599= (NM_001083603.3); c.1347A>G, p.Leu449= (NM_001083604.3, NM_001083605.3, NM_001083606.3 and 1 more transcripts); c.1644A>G, p.Leu548= (NM_001354918.2).
Identifiers: ClinVar variation 453800 (VCV000453800.21), dbSNP rs768939676, ClinGen allele CA5138521.